The following is an entry in ClinVar:

ClinVar aggregate classification (germline): Benign (1 of 4 stars; one submission).

Submission:

ISCA site 4
Classification: Benign. Last evaluated: 2011-08-12. Review status: criteria provided, single submitter. Criteria: Kaminsky et al. (Genet Med. 2011). Collection method: clinical testing. Allele origin: unknown. Affected: yes. Observed: 1 variant allele.
Comment: Copy number variation identified through the course of routine clinical cytogenomic testing in postnatal populations. Clinical assertions have been curated as described in Kaminsky et al. 2011.

GRCh38/hg38 7q11.21(chr7:62570287-63230552)x3

Variant type: copy number gain.
Change: copy number 3 (three copies instead of two) of chr7:62,570,287-63,230,552 (660.3 kb, GRCh38 coordinates, 1-based), cytogenetic band 7q11.21.
Identifiers: ClinVar variation 57056 (VCV000057056.1).